The following is an entry in ClinVar:

NM_000288.4(PEX7):c.31_56dup (p.Tyr20fs)

Gene: PEX7 (peroxisomal biogenesis factor 7; plus strand). Cytogenetic location: 6q23.3.
Variant type: Duplication.
Coding change: c.31_56dup on transcript NM_000288.4 (MANE Select); coding-DNA positions 31 to 56, 26 bases duplicated (ATGCTGCGGACGCCGGGACGCCACGG).
Protein change: p.Tyr20fs; shifts the reading frame from tyrosine 20.
Molecular consequence: frameshift variant.
Genome position (GRCh38, 1-based): chr6:136,822,696-136,822,721, ATGCTGCGGACGCCGGGACGCCACGG duplicated; duplicating any 26 consecutive bases within chr6:136,822,693-136,822,721 gives the same sequence; the c. name uses the placement nearest the transcript's 3' end. VCF-style (leftmost placement, unchanged base first): chr6-136822692-G-GCGGATGCTGCGGACGCCGGGACGCCA. GRCh37 (hg19) VCF-style: chr6-137143830-G-GCGGATGCTGCGGACGCCGGGACGCCA.
Other names: short protein forms Y20fs.
Identifiers: ClinVar variation 2708901 (VCV002708901.3), dbSNP rs1057516961, ClinGen allele CA2697553781.
Genomic context (GRCh38, chr6:136,822,692, plus strand): 5'-GCCGGGGCAGCGAGGGCCGGGGGCGGCGGGCGGGATGAGTGCGGTGTGCGGTGGAGCGGC[G>GCGGATGCTGCGGACGCCGGGACGCCA]CGGATGCTGCGGACGCCGGGACGCCACGGCTACGCCGCCGAGTTCTCCCCGTACCTGCCG-3'

ClinVar aggregate classification (germline): Pathogenic (1 of 4 stars; one submission).

Conditions:
Peroxisome biogenesis disorder 9B. Also called: PEX7-Related Refsum Disease; PEROXISOME BIOGENESIS DISORDER, PEX7-RELATED, ATYPICAL; Refsum disease, adult, 2. Identifiers: Orphanet 773, MedGen C2749346, MONDO:0013945, OMIM 614879.

Submission:

Labcorp Genetics (formerly Invitae), Labcorp
Classification: Pathogenic for Peroxisome biogenesis disorder 9B. Last evaluated: 2024-01-17. Review status: criteria provided, single submitter. Criteria: Invitae Variant Classification Sherloc (09022015). Collection method: clinical testing. Allele origin: germline.
Comment: This sequence change creates a premature translational stop signal (p.Tyr20Cysfs*39) in the PEX7 gene. It is expected to result in an absent or disrupted protein product. Loss-of-function variants in PEX7 are known to be pathogenic (PMID: 12325024, 12522768, 20301447). This variant is not present in population databases (gnomAD no frequency). This variant has not been reported in the literature in individuals affected with PEX7-related conditions. For these reasons, this variant has been classified as Pathogenic.

Literature cited by the submitters: PubMed 12325024; PubMed 12522768; PubMed 20301447.